The following is an entry in ClinVar:

NM_000219.6(KCNE1):c.146T>A (p.Met49Lys)

Gene: KCNE1 (potassium voltage-gated channel subfamily E regulatory subunit 1; minus strand). Cytogenetic location: 21q22.12.
Variant type: single nucleotide variant.
Coding change: c.146T>A on transcript NM_000219.6 (MANE Select); coding-DNA position 146, T replaced by A.
Protein change: p.Met49Lys; replaces methionine 49 with lysine.
Molecular consequence: missense variant.
Genome position (GRCh38, 1-based): chr21:34,449,489, A>T on the plus strand (T>A on the coding strand, the complement: KCNE1 is on the minus strand). VCF-style: chr21-34449489-A-T. GRCh37 (hg19) VCF-style: chr21-35821787-A-T.
Other names: c.146T>A, p.Met49Lys (NM_001127668.4, NM_001127669.4, NM_001127670.4 and 4 more transcripts); short protein forms M49K.
Identifiers: ClinVar variation 3374166 (VCV003374166.2).

Conditions:
Long QT syndrome 5 (LQT5). Identifiers: Orphanet 101016, Orphanet 768, MedGen C1867904, MONDO:0013372, OMIM 613695.

Submission:

Roden Lab, Vanderbilt University Medical Center
No classification provided (evidence only). Condition: Long QT syndrome 5. Review status: no classification provided. Collection method: in vitro. Allele origin: not applicable. Functional consequence: Effect on ion channel function.
ClinVar note: "not provided" was previously submitted as the classification for the variant. However, the classification appeared to be based only on an observation of functional data so it was converted to no classification on 2025-07-30.